The following is an entry in ClinVar:

ClinVar aggregate classification (germline): Uncertain significance. Review status: criteria provided, multiple submitters, no conflicts (2 of 4 stars). 2 submissions from 2 submitters: Uncertain significance (2). Last evaluated 2023-10-13.

Conditions:
Hereditary spastic paraplegia 53. Also called: Spastic paraplegia 53, autosomal recessive. Identifiers: Orphanet 319199, MedGen C3539494, MONDO:0013962, OMIM 614898.

Allele frequency attached by ClinVar (database versions not stated): gnomAD exomes below 0.00001.
gnomAD v4.1: 1 of 1,608,996 alleles (0.000062%); highest among the groups gnomAD compares: Non-Finnish European, 0.000085%; no homozygotes.

Submissions (2):

Ambry Genetics
Classification: Uncertain significance. Last evaluated: 2023-10-13. Review status: criteria provided, single submitter. Criteria: Ambry Variant Classification Scheme 2023. Collection method: clinical testing. Allele origin: germline.

Labcorp Genetics (formerly Invitae), Labcorp
Classification: Uncertain significance for Hereditary spastic paraplegia 53. Last evaluated: 2023-03-02. Review status: criteria provided, single submitter. Criteria: Invitae Variant Classification Sherloc (09022015). Collection method: clinical testing. Allele origin: germline.
Comment: This sequence change replaces glutamic acid, which is acidic and polar, with lysine, which is basic and polar, at codon 302 of the VPS37A protein (p.Glu302Lys). This variant is not present in population databases (gnomAD no frequency). This variant has not been reported in the literature in individuals affected with VPS37A-related conditions. ClinVar contains an entry for this variant (Variation ID: 1721265). Advanced modeling of protein sequence and biophysical properties (such as structural, functional, and spatial information, amino acid conservation, physicochemical variation, residue mobility, and thermodynamic stability) performed at Invitae indicates that this missense variant is not expected to disrupt VPS37A protein function. In summary, the available evidence is currently insufficient to determine the role of this variant in disease. Therefore, it has been classified as a Variant of Uncertain Significance.

NM_152415.3(VPS37A):c.904G>A (p.Glu302Lys)

Gene: VPS37A (VPS37A subunit of ESCRT-I; plus strand). Cytogenetic location: 8p22.
Variant type: single nucleotide variant.
Coding change: c.904G>A on transcript NM_152415.3 (MANE Select); coding-DNA position 904, G replaced by A.
Protein change: p.Glu302Lys; replaces glutamic acid 302 with lysine.
Molecular consequence: missense variant. On other transcripts: intron variant (4).
Genome position (GRCh38, 1-based): chr8:17,280,378, G>A. VCF-style: chr8-17280378-G-A. GRCh37 (hg19) VCF-style: chr8-17137887-G-A.
Other names: c.829G>A, p.Glu277Lys (NM_001145152.2); c.634G>A, p.Glu212Lys (NM_001363168.1, NM_001363169.1); c.904G>A, p.Glu302Lys (NM_001363173.2); c.631-15G>A (NM_001363172.2, NM_001363170.1, NM_001363171.1); c.901-15G>A (NM_001363167.1); c.904G>A (NM_152415.2); short protein forms E212K, E277K, E302K.
Identifiers: ClinVar variation 1721265 (VCV001721265.6), dbSNP rs1814930325, ClinGen allele CA370403347.